The following is an entry in ClinVar:

NM_001148.6(ANK2):c.9371A>T (p.Tyr3124Phe)

Gene: ANK2 (ankyrin 2; plus strand). Cytogenetic location: 4q26.
Variant type: single nucleotide variant.
Coding change: c.9371A>T on transcript NM_001148.6 (MANE Select); coding-DNA position 9371, A replaced by T.
Protein change: p.Tyr3124Phe; replaces tyrosine 3124 with phenylalanine.
Molecular consequence: missense variant. On other transcripts: intron variant (68).
Genome position (GRCh38, 1-based): chr4:113,357,989, A>T. VCF-style: chr4-113357989-A-T. GRCh37 (hg19) VCF-style: chr4-114279145-A-T.
Other names: c.4202-2834A>T (NM_001354253.2, NM_001354270.2); c.4166-2834A>T (NM_001354257.2, NM_001386156.1); c.4241-2834A>T (NM_001354249.2, NM_001354266.2, NM_001354276.2 and 2 more transcripts); c.4208-2834A>T (NM_001386146.1, NM_001386150.1, NM_001386149.1 and 1 more transcripts); c.4193-2834A>T (NM_001354274.2, NM_001386154.1); c.4142-2834A>T (NM_001386151.1, NM_001354260.2, NM_001354271.2); c.4043-2834A>T (NM_001386157.1, NM_001354277.2); c.4361-2834A>T (NM_001386161.1, NM_001354244.2, NM_001354256.2); and 35 more; short protein forms Y3163F, Y3046F, Y1924F, Y3124F, Y3171F.
Identifiers: ClinVar variation 3686365 (VCV003686365.3).
Genomic context (GRCh38, chr4:113,357,989, plus strand): 5'-AGGAAGGAAAATTGTTTGAAATGACCCGAAGTGGTGCCATTGATATGACCAAAAGGTCCT[A>T]TGCAGATGAAAGTTTTCACTTTTTCCAAATTGGTCAAGAATCCAGGGAAGAGACTCTCTC-3'
Protein context (NP_001139.3, residues 3114-3134): SGAIDMTKRS[Tyr3124Phe]ADESFHFFQI

ClinVar aggregate classification (germline): Uncertain significance. Review status: criteria provided, multiple submitters, no conflicts (2 of 4 stars). 2 submissions from 2 submitters: Uncertain significance (2). Last evaluated 2025-02-24.

Conditions:
Long QT syndrome (LQTS). Identifiers: MedGen C0023976, MeSH D008133, MONDO:0002442. Disease mechanism: loss of function. Inheritance: Various modes of inheritance.

gnomAD v4.1: 1 of 1,614,042 alleles (0.000062%); no homozygotes.

Submissions (2):

Revvity Omics, Revvity
Classification: Uncertain significance. Last evaluated: 2025-02-24. Review status: criteria provided, single submitter. Criteria: ACMG Guidelines, 2015. Collection method: clinical testing. Allele origin: germline.

Labcorp Genetics (formerly Invitae), Labcorp
Classification: Uncertain significance for Long QT syndrome. Last evaluated: 2024-07-27. Review status: criteria provided, single submitter. Criteria: Invitae Variant Classification Sherloc (09022015). Collection method: clinical testing. Allele origin: germline.
Comment: This sequence change replaces tyrosine, which is neutral and polar, with phenylalanine, which is neutral and non-polar, at codon 3124 of the ANK2 protein (p.Tyr3124Phe). This variant is not present in population databases (gnomAD no frequency). This variant has not been reported in the literature in individuals affected with ANK2-related conditions. An algorithm developed to predict the effect of missense changes on protein structure and function (PolyPhen-2) suggests that this variant is likely to be disruptive. In summary, the available evidence is currently insufficient to determine the role of this variant in disease. Therefore, it has been classified as a Variant of Uncertain Significance.